The following is an entry in ClinVar:

ClinVar aggregate classification (germline): Uncertain significance (1 of 4 stars; one submission).

Allele frequency attached by ClinVar (database versions not stated): gnomAD 0.00002; TOPMed 0.00002; ESP Exome Variant Server 0.00015.
gnomAD v4.1: 9 of 1,613,850 alleles (0.00056%); highest among the groups gnomAD compares: East Asian, 0.0045%; no homozygotes.

Submission:

Labcorp Genetics (formerly Invitae), Labcorp
Classification: Uncertain significance. Last evaluated: 2024-02-20. Review status: criteria provided, single submitter. Criteria: Invitae Variant Classification Sherloc (09022015). Collection method: clinical testing. Allele origin: germline.
Comment: This sequence change replaces glycine, which is neutral and non-polar, with arginine, which is basic and polar, at codon 162 of the DEAF1 protein (p.Gly162Arg). This variant is present in population databases (rs141368610, gnomAD 0.01%). This variant has not been reported in the literature in individuals affected with DEAF1-related conditions. ClinVar contains an entry for this variant (Variation ID: 1424216). Advanced modeling of protein sequence and biophysical properties (such as structural, functional, and spatial information, amino acid conservation, physicochemical variation, residue mobility, and thermodynamic stability) has been performed at Invitae for this missense variant, however the output from this modeling did not meet the statistical confidence thresholds required to predict the impact of this variant on DEAF1 protein function. In summary, the available evidence is currently insufficient to determine the role of this variant in disease. Therefore, it has been classified as a Variant of Uncertain Significance.

NM_021008.4(DEAF1):c.484G>A (p.Gly162Arg)

Gene: DEAF1 (DEAF1 transcription factor; minus strand). Cytogenetic location: 11p15.5.
Variant type: single nucleotide variant.
Coding change: c.484G>A on transcript NM_021008.4 (MANE Select); coding-DNA position 484, G replaced by A.
Protein change: p.Gly162Arg; replaces glycine 162 with arginine.
Molecular consequence: missense variant. On other transcripts: 5 prime UTR variant (1).
Genome position (GRCh38, 1-based): chr11:688,364, C>T on the plus strand (G>A on the coding strand, the complement: DEAF1 is on the minus strand). VCF-style: chr11-688364-C-T. GRCh37 (hg19) VCF-style: chr11-688364-C-T.
Other names: c.484G>A, p.Gly162Arg (NM_001293634.2); c.-243G>A (NM_001367390.1); short protein forms G162R.
Identifiers: ClinVar variation 1424216 (VCV001424216.8), dbSNP rs141368610, ClinGen allele CA5786537.